The following is an entry in ClinVar:

NM_002471.4(MYH6):c.3859+3G>A

Gene: MYH6 (myosin heavy chain 6; minus strand). Cytogenetic location: 14q11.2.
Variant type: single nucleotide variant.
Coding change: c.3859+3G>A on transcript NM_002471.4 (MANE Select); 3 bases into the intron after coding-DNA position 3859, G replaced by A.
Molecular consequence: intron variant.
Genome position (GRCh38, 1-based): chr14:23,389,590, C>T on the plus strand (G>A on the coding strand, the complement: MYH6 is on the minus strand). VCF-style: chr14-23389590-C-T. GRCh37 (hg19) VCF-style: chr14-23858799-C-T.
Identifiers: ClinVar variation 2899338 (VCV002899338.3), dbSNP rs2138591568, ClinGen allele CA2575485866.
Genomic context (GRCh38, chr14:23,389,590, plus strand): 5'-GCTTGTGGGCCATTTCACAAGTCATGTCCTGCCCTAGGCAGGGGGTTGGTTAGGGGCACC[C>T]ACCATTCTCGGTCTGCAGCTTGGCTCGCTGGGTGGTGAAATCATTGAGGGAGCGTTGGGC-3'

ClinVar aggregate classification (germline): Uncertain significance (1 of 4 stars; one submission).

Conditions:
Hypertrophic cardiomyopathy 14. Identifiers: MedGen C2750467, MONDO:0013197, OMIM 613251.

Allele frequency attached by ClinVar (database versions not stated): gnomAD exomes below 0.00001.
gnomAD v4.1: 2 of 1,614,218 alleles (0.00012%); highest among the groups gnomAD compares: Non-Finnish European, 0.00017%; no homozygotes.

Submission:

Labcorp Genetics (formerly Invitae), Labcorp
Classification: Uncertain significance for Hypertrophic cardiomyopathy 14. Last evaluated: 2023-09-10. Review status: criteria provided, single submitter. Criteria: Invitae Variant Classification Sherloc (09022015). Collection method: clinical testing. Allele origin: germline.
Comment: This sequence change falls in intron 27 of the MYH6 gene. It does not directly change the encoded amino acid sequence of the MYH6 protein. It affects a nucleotide within the consensus splice site. This variant is not present in population databases (gnomAD no frequency). In summary, the available evidence is currently insufficient to determine the role of this variant in disease. Therefore, it has been classified as a Variant of Uncertain Significance. Variants that disrupt the consensus splice site are a relatively common cause of aberrant splicing (PMID: 17576681, 9536098). Algorithms developed to predict the effect of sequence changes on RNA splicing suggest that this variant is not likely to affect RNA splicing. This variant has not been reported in the literature in individuals affected with MYH6-related conditions.

Literature cited by the submitters: PubMed 17576681; PubMed 9536098.